The following is an entry in ClinVar:

NM_001042492.3(NF1):c.6598A>G (p.Thr2200Ala)

Gene: NF1 (neurofibromin 1; plus strand). Cytogenetic location: 17q11.2.
Variant type: single nucleotide variant.
Coding change: c.6598A>G on transcript NM_001042492.3 (MANE Select); coding-DNA position 6598, A replaced by G.
Protein change: p.Thr2200Ala; replaces threonine 2200 with alanine.
Molecular consequence: missense variant.
Genome position (GRCh38, 1-based): chr17:31,337,538, A>G. VCF-style: chr17-31337538-A-G. GRCh37 (hg19) VCF-style: chr17-29664556-A-G.
Other names: c.6535A>G, p.Thr2179Ala (NM_000267.4); short protein forms T2179A, T2200A.
Identifiers: ClinVar variation 3634589 (VCV003634589.2).
Genomic context (GRCh38, chr17:31,337,538, plus strand): 5'-TCCAGTTACCGGGACAGGTCATTCTCTCCTGGCTCCTATGAGAGAGAGACTTTTGCTTTG[A>G]CATCCTTGGAAACAGTCACAGAAGCTTTGTTGGAGATCATGGAGGTATAGAAGCCAAAAT-3'
Protein context (NP_001035957.1, residues 2190-2210): GSYERETFAL[Thr2200Ala]SLETVTEALL

ClinVar aggregate classification (germline): Uncertain significance (1 of 4 stars; one submission).

Conditions:
Neurofibromatosis, type 1 (NF1). Also called: VON RECKLINGHAUSEN DISEASE; Peripheral type neurofibromatosis; NEUROFIBROMATOSIS, TYPE I, SOMATIC; Neurofibromatosis, type I. Identifiers: Orphanet 636, MedGen C0027831, MONDO:0018975, OMIM 162200. Disease mechanism: loss of function.

Submission:

Labcorp Genetics (formerly Invitae), Labcorp
Classification: Uncertain significance for Neurofibromatosis, type 1. Last evaluated: 2024-10-22. Review status: criteria provided, single submitter. Criteria: Invitae Variant Classification Sherloc (09022015). Collection method: clinical testing. Allele origin: germline.
Comment: This sequence change replaces threonine, which is neutral and polar, with alanine, which is neutral and non-polar, at codon 2179 of the NF1 protein (p.Thr2179Ala). This variant is not present in population databases (gnomAD no frequency). This variant has not been reported in the literature in individuals affected with NF1-related conditions. Invitae Evidence Modeling of protein sequence and biophysical properties (such as structural, functional, and spatial information, amino acid conservation, physicochemical variation, residue mobility, and thermodynamic stability) indicates that this missense variant is not expected to disrupt NF1 protein function with a negative predictive value of 95%. In summary, the available evidence is currently insufficient to determine the role of this variant in disease. Therefore, it has been classified as a Variant of Uncertain Significance.